The following is an entry in ClinVar:

NM_015215.4(CAMTA1):c.4229A>C (p.Asp1410Ala)

Gene: CAMTA1 (calmodulin binding transcription activator 1; plus strand). Cytogenetic location: 1p36.23.
Variant type: single nucleotide variant.
Coding change: c.4229A>C on transcript NM_015215.4 (MANE Select); coding-DNA position 4229, A replaced by C.
Protein change: p.Asp1410Ala; replaces aspartic acid 1410 with alanine.
Molecular consequence: missense variant.
Genome position (GRCh38, 1-based): chr1:7,744,881, A>C. VCF-style: chr1-7744881-A-C. GRCh37 (hg19) VCF-style: chr1-7804941-A-C.
Other names: c.4139A>C, p.Asp1380Ala (NM_001349608.2); c.3890A>C, p.Asp1297Ala (NM_001349609.2, NM_001349610.2, NM_001410737.1); c.3800A>C, p.Asp1267Ala (NM_001349612.2); c.1358A>C, p.Asp453Ala (NM_001349613.1); c.1301A>C, p.Asp434Ala (NM_001349614.1, NM_001349615.2, NM_001349616.2 and 2 more transcripts); c.962A>C, p.Asp321Ala (NM_001349619.2, NM_001349620.1, NM_001349621.1 and 5 more transcripts); c.3818A>C, p.Asp1273Ala (NM_001410738.1); short protein forms D1267A, D1273A, D1297A, D1380A, D1410A, D321A, D434A, D453A.
Identifiers: ClinVar variation 3769976 (VCV003769976.1).

ClinVar aggregate classification (germline): Uncertain significance (1 of 4 stars; one submission).

Submission:

GeneDx
Classification: Uncertain significance. Last evaluated: 2024-09-17. Review status: criteria provided, single submitter. Criteria: GeneDx Variant Classification Process June 2021. Collection method: clinical testing. Allele origin: germline. Affected: yes.
Comment: Not observed at significant frequency in large population cohorts (gnomAD); In silico analysis supports that this missense variant has a deleterious effect on protein structure/function; Has not been previously published as pathogenic or benign to our knowledge